The following is an entry in ClinVar:

ClinVar aggregate classification (germline): Conflicting classifications of pathogenicity. Review status: criteria provided, conflicting classifications (1 of 4 stars). 3 submissions from 3 submitters: Uncertain significance (2); Likely benign (1). Last evaluated 2026-06-22.

Conditions:
Inborn genetic diseases. Identifiers: MedGen C0950123, MeSH D030342.
Singleton-Merten syndrome 1 (SGMRT1). Also called: Widened medullary cavities of bone, aortic calcification, abnormal dentition, and muscular weakness; Syndrome of widened medullary cavities of the metacarpals and phalanges, aortic calcification and abnormal dentition. Identifiers: Orphanet 85191, MedGen C4225427, MONDO:0024535, OMIM 182250.
Aicardi-Goutieres syndrome 7 (AGS7). Identifiers: Orphanet 51, MedGen C3888244, MONDO:0014367, OMIM 615846.

Allele frequency attached by ClinVar (database versions not stated): gnomAD exomes 0.00004 and 0.00002; ExAC 0.00006; TOPMed 0.00001.
gnomAD v4.1: 11 of 1,613,746 alleles (0.00068%); highest among the groups gnomAD compares: Admixed American, 0.018%; no homozygotes.

Submissions (3):

Ambry Genetics
Classification: Likely benign for Inborn genetic diseases. Last evaluated: 2026-06-22. Review status: criteria provided, single submitter. Criteria: Ambry Variant Classification Scheme 2023. Collection method: clinical testing. Allele origin: germline.

Labcorp Genetics (formerly Invitae), Labcorp
Classification: Uncertain significance for Aicardi-Goutieres syndrome 7; Singleton-Merten syndrome 1. Last evaluated: 2025-08-29. Review status: criteria provided, single submitter. Criteria: Invitae Variant Classification Sherloc (09022015). Collection method: clinical testing. Allele origin: germline.
Comment: This sequence change replaces serine, which is neutral and polar, with phenylalanine, which is neutral and non-polar, at codon 253 of the IFIH1 protein (p.Ser253Phe). This variant is present in population databases (rs774782975, gnomAD 0.03%). This variant has not been reported in the literature in individuals affected with IFIH1-related conditions. This missense change has been observed in at least one individual who was not affected with IFIH1-related conditions (internal data). ClinVar contains an entry for this variant (Variation ID: 1037016). Invitae Evidence Modeling of protein sequence and biophysical properties (such as structural, functional, and spatial information, amino acid conservation, physicochemical variation, residue mobility, and thermodynamic stability) has been performed for this missense variant. However, the output from this modeling did not meet the statistical confidence thresholds required to predict the impact of this variant on IFIH1 protein function. In summary, the available evidence is currently insufficient to determine the role of this variant in disease. Therefore, it has been classified as a Variant of Uncertain Significance.

Revvity Omics, Revvity
Classification: Uncertain significance. Last evaluated: 2022-06-02. Review status: criteria provided, single submitter. Criteria: ACMG Guidelines, 2015. Collection method: clinical testing. Allele origin: germline.

NM_022168.4(IFIH1):c.758C>T (p.Ser253Phe)

Gene: IFIH1 (interferon induced with helicase C domain 1; minus strand). Cytogenetic location: 2q24.2.
Variant type: single nucleotide variant.
Coding change: c.758C>T on transcript NM_022168.4 (MANE Select); coding-DNA position 758, C replaced by T.
Protein change: p.Ser253Phe; replaces serine 253 with phenylalanine.
Molecular consequence: missense variant.
Genome position (GRCh38, 1-based): chr2:162,306,720, G>A on the plus strand (C>T on the coding strand, the complement: IFIH1 is on the minus strand). VCF-style: chr2-162306720-G-A. GRCh37 (hg19) VCF-style: chr2-163163230-G-A.
Other names: c.758C>T (NM_022168.2); short protein forms S253F.
Identifiers: ClinVar variation 1037016 (VCV001037016.12), dbSNP rs774782975, ClinGen allele CA1934725.
Genomic context (GRCh38, chr2:162,306,720, plus strand): 5'-TTCTGGAAGTAGTAATTACTGTATTAAAGTACGTATGTGTTTCAAGTACCTGAAACTACA[G>A]AAGAATCTGCAAAAGATGATTCTGATGAGTTATTCTCCATGCCCCAGACCTCCTTCTCCA-3'
Protein context (NP_071451.2, residues 243-263): NSSESSFADS[Ser253Phe]VVSESDTSLA